The following is an entry in ClinVar:

ClinVar aggregate classification (germline): Uncertain significance (1 of 4 stars; one submission).

Conditions:
Myoclonic dystonia 11 (DYT11). Also called: DYT-SGCE; Myoclonic dystonia; Dystonia 11; Dystonia, alcohol responsive; Hereditary essential myoclonus; SGCE Myoclonus-Dystonia. Identifiers: Orphanet 36899, MedGen C1834570, MONDO:0008044, OMIM 159900.

Allele frequency attached by ClinVar (database versions not stated): gnomAD exomes 0.00001; ExAC 0.00003; gnomAD 0.00003; TOPMed 0.00003; ESP Exome Variant Server 0.00015.
gnomAD v4.1: 8 of 1,609,292 alleles (0.0005%); highest among the groups gnomAD compares: African/African-American, 0.0067%; no homozygotes.

Submission:

Labcorp Genetics (formerly Invitae), Labcorp
Classification: Uncertain significance for Myoclonic dystonia 11. Last evaluated: 2025-11-06. Review status: criteria provided, single submitter. Criteria: Invitae Variant Classification Sherloc (09022015). Collection method: clinical testing. Allele origin: germline.
Comment: This sequence change replaces arginine, which is basic and polar, with leucine, which is neutral and non-polar, at codon 5 of the SGCE protein (p.Arg5Leu). This variant is present in population databases (rs147148588, gnomAD 0.02%). This variant has not been reported in the literature in individuals affected with SGCE-related conditions. ClinVar contains an entry for this variant (Variation ID: 464152). An algorithm developed to predict the effect of missense changes on protein structure and function (PolyPhen-2) suggests that this variant is likely to be tolerated. In summary, the available evidence is currently insufficient to determine the role of this variant in disease. Therefore, it has been classified as a Variant of Uncertain Significance.

NM_003919.3(SGCE):c.14G>T (p.Arg5Leu)

Gene: SGCE (sarcoglycan epsilon; minus strand). Cytogenetic location: 7q21.3.
Variant type: single nucleotide variant.
Coding change: c.14G>T on transcript NM_003919.3 (MANE Select); coding-DNA position 14, G replaced by T.
Protein change: p.Arg5Leu; replaces arginine 5 with leucine.
Molecular consequence: missense variant. On other transcripts: 5 prime UTR variant (4).
Genome position (GRCh38, 1-based): chr7:94,656,085, C>A on the plus strand (G>T on the coding strand, the complement: SGCE is on the minus strand). VCF-style: chr7-94656085-C-A. GRCh37 (hg19) VCF-style: chr7-94285397-C-A.
Other names: c.14G>T, p.Arg5Leu (NM_001099400.2, NM_001099401.2, NM_001301139.2 and 4 more transcripts); c.-244G>T (NM_001346719.2); c.-322G>T (NM_001346720.2, NM_001362808.2); c.-250G>T (NM_001362807.2); short protein forms R5L.
Identifiers: ClinVar variation 464152 (VCV000464152.6), dbSNP rs147148588, ClinGen allele CA4348933.